The following is an entry in ClinVar:

ClinVar aggregate classification (germline): Likely pathogenic (1 of 4 stars; one submission).

Conditions:
Familial multiple polyposis syndrome (FAP). Also called: Classic familial adenomatous polyposis; Familial Adenomatous Polyposis (FAP); Familial polyposis; Familial adenomatous polyposis; Familial intestinal polyposis. Identifiers: Orphanet 733, MedGen C0032580, MONDO:0021055. Disease mechanism: loss of function.

Submission:

Laboratory for Molecular Medicine, Mass General Brigham Personalized Medicine
Classification: Likely pathogenic for Familial multiple polyposis syndrome. Last evaluated: 2011-03-29. Review status: criteria provided, single submitter. Criteria: LMM Criteria. Collection method: clinical testing. Allele origin: germline. Observed: 1 variant allele.
Comment: The Ser1419fsx54 variant has not been previously reported in the literature or b een identified by our laboratory. However, an adjacent nucleotide variant, 4256d elG, resulting in a similar amino acid change, Ser1419fsX54, was identified in t umor tissue from an individual with colorectal carcinoma but not FAP (Lovig 2002 ; COSMIC). The Ser1419fsx54 variant is predicted to cause a frameshift, which al ters the protein's amino acid sequence beginning at codon 1419 and leads to a pr emature stop codon 54 amino acids downstream. From this DNA sequencing test, we cannot determine the effect this nucleotide change will have on the protein prod uced. It is possible that a truncated protein is generated. Alternatively, no pr otein would be produced from this allele if nonsense-mediated decay occurs, as p remature stop codons frequently result in degradation of the mRNA. Frameshift va riants in APC are commonly observed to be pathogenic, and loss of function of AP C is an established mechanism of disease in FAP (Human Mutation Gene Database, H GMD). Therefore, this variant is likely to be pathogenic.

Literature cited by the submitters: PubMed 12408524.

NM_000038.6(APC):c.4255del (p.Ser1419fs)

Gene: APC (APC regulator of Wnt signaling pathway; plus strand). Cytogenetic location: 5q22.2.
Variant type: Deletion.
Coding change: c.4255del on transcript NM_000038.6 (MANE Select); coding-DNA position 4255, one base deleted (A; older notation c.4255delA).
Protein change: p.Ser1419fs; shifts the reading frame from serine 1419.
Molecular consequence: frameshift variant.
Genome position (GRCh38, 1-based): chr5:112,839,849, A deleted; the last of 2 consecutive A bases (chr5:112,839,848-112,839,849); deleting either gives the same sequence. VCF-style (leftmost placement, unchanged base first): chr5-112839847-TA-T. GRCh37 (hg19) VCF-style: chr5-112175544-TA-T.
Other names: c.4255del (LRG_130t1); c.4255del, p.Ser1419fs (NM_001127510.3, NM_001354895.2); c.4201del, p.Ser1401fs (NM_001127511.3); c.4309del, p.Ser1437fs (NM_001354896.2); c.4285del, p.Ser1429fs (NM_001354897.2); c.4180del, p.Ser1394fs (NM_001354898.2); c.4171del, p.Ser1391fs (NM_001354899.2); c.4132del, p.Ser1378fs (NM_001354900.2); and 6 more; short protein forms S1136fs, S1318fs, S1378fs, S1401fs, S1293fs, S1328fs, S1429fs, S1437fs.
Identifiers: ClinVar variation 177952 (VCV000177952.4), dbSNP rs727504420, ClinGen allele CA009405.